The following is an entry in ClinVar:

ClinVar aggregate classification (germline): Likely benign. Review status: criteria provided, multiple submitters, no conflicts (2 of 4 stars). 2 submissions from 2 submitters: Likely benign (2). Last evaluated 2025-08-27.

Conditions:
Charcot-Marie-Tooth disease dominant intermediate E. Also called: CHARCOT-MARIE-TOOTH NEUROPATHY WITH FOCAL SEGMENTAL GLOMERULONEPHRITIS. Identifiers: Orphanet 93114, MedGen C4302667, MONDO:0013758, OMIM 614455.
Focal segmental glomerulosclerosis 5 (FSGS5). Identifiers: Orphanet 656, MedGen C2750475, MONDO:0013191, OMIM 613237.

Allele frequency attached by ClinVar (database versions not stated): gnomAD exomes 0.00003 and 0.00007; ExAC 0.00005; gnomAD 0.00005 and 0.00007; TOPMed 0.00006.
gnomAD v4.1: 61 of 1,611,664 alleles (0.0038%); highest among the groups gnomAD compares: South Asian, 0.036%; 1 homozygote.

Submissions (2):

Labcorp Genetics (formerly Invitae), Labcorp
Classification: Likely benign for Charcot-Marie-Tooth disease dominant intermediate E; Focal segmental glomerulosclerosis 5. Last evaluated: 2025-08-27. Review status: criteria provided, single submitter. Criteria: Invitae Variant Classification Sherloc (09022015). Collection method: clinical testing. Allele origin: germline.

GeneDx
Classification: Likely benign. Last evaluated: 2017-03-16. Review status: criteria provided, single submitter. Criteria: GeneDx Variant Classification (06012015). Collection method: clinical testing. Allele origin: germline. Affected: yes.
Comment: This variant is considered likely benign or benign based on one or more of the following criteria: it is a conservative change, it occurs at a poorly conserved position in the protein, it is predicted to be benign by multiple in silico algorithms, and/or has population frequency not consistent with disease.

NM_022489.4(INF2):c.2419-14G>A

Gene: INF2 (inverted formin 2; plus strand). Cytogenetic location: 14q32.33.
Variant type: single nucleotide variant.
Coding change: c.2419-14G>A on transcript NM_022489.4 (MANE Select); 14 bases into the intron before coding-DNA position 2419, G replaced by A.
Molecular consequence: intron variant.
Genome position (GRCh38, 1-based): chr14:104,711,615, G>A. VCF-style: chr14-104711615-G-A. GRCh37 (hg19) VCF-style: chr14-105177952-G-A.
Other names: c.2419-14G>A (NM_001031714.4).
Identifiers: ClinVar variation 385553 (VCV000385553.8), dbSNP rs746955943, ClinGen allele CA7372930.